The following is an entry in ClinVar:

ClinVar aggregate classification (germline): Uncertain significance (1 of 4 stars; one submission).

gnomAD v4.1: 1 of 1,613,138 alleles (0.000062%); highest among the groups gnomAD compares: East Asian, 0.0022%; no homozygotes.

Submission:

Ambry Genetics
Classification: Uncertain significance. Last evaluated: 2025-03-04. Review status: criteria provided, single submitter. Criteria: Ambry Variant Classification Scheme 2023. Collection method: clinical testing. Allele origin: germline.
Comment: The p.S534F variant (also known as c.1601C>T), located in coding exon 2 of the CDK12 gene, results from a C to T substitution at nucleotide position 1601. The serine at codon 534 is replaced by phenylalanine, an amino acid with highly dissimilar properties. This amino acid position is conserved. In addition, this alteration is predicted to be tolerated by in silico analysis. Based on the available evidence, the clinical significance of this variant remains unclear.

NM_016507.4(CDK12):c.1601C>T (p.Ser534Phe)

Gene: CDK12 (cyclin dependent kinase 12; plus strand). Cytogenetic location: 17q12.
Variant type: single nucleotide variant.
Coding change: c.1601C>T on transcript NM_016507.4 (MANE Select); coding-DNA position 1601, C replaced by T.
Protein change: p.Ser534Phe; replaces serine 534 with phenylalanine.
Molecular consequence: missense variant.
Genome position (GRCh38, 1-based): chr17:39,471,433, C>T. VCF-style: chr17-39471433-C-T. GRCh37 (hg19) VCF-style: chr17-37627686-C-T.
Other names: c.1601C>T, p.Ser534Phe (NM_015083.4); short protein forms S534F.
Identifiers: ClinVar variation 3830749 (VCV003830749.1).
Genomic context (GRCh38, chr17:39,471,433, plus strand): 5'-CTCCAAAGGAGACAGAAACATCAGAAAAGGAGACCCCTCCACCTCTTCCCACAATTGCTT[C>T]TCCCCCACCCCCTCTACCAACTACTACCCCTCCACCTCAGACACCCCCTTTGCCACCTTT-3'
Protein context (NP_057591.2, residues 524-544): ETPPPLPTIA[Ser534Phe]PPPPLPTTTP